The following is an entry in ClinVar:

ClinVar aggregate classification (germline): Uncertain significance (1 of 4 stars; one submission).

Allele frequency attached by ClinVar (database versions not stated): gnomAD exomes below 0.00001; ExAC 0.00001; gnomAD 0.00001; 1000 Genomes Project 30x 0.00016; 1000 Genomes Project 0.00020.
gnomAD v4.1: 2 of 1,613,674 alleles (0.00012%); highest among the groups gnomAD compares: South Asian, 0.0022%; no homozygotes.

Submission:

Ambry Genetics
Classification: Uncertain significance. Last evaluated: 2023-02-25. Review status: criteria provided, single submitter. Criteria: Ambry Variant Classification Scheme 2023. Collection method: clinical testing. Allele origin: germline.
Comment: The p.I547L variant (also known as c.1639A>C), located in coding exon 1 of the MLH3 gene, results from an A to C substitution at nucleotide position 1639. The isoleucine at codon 547 is replaced by leucine, an amino acid with highly similar properties. This amino acid position is conserved. In addition, this alteration is predicted to be tolerated by in silico analysis. Since supporting evidence is limited at this time, the clinical significance of this alteration remains unclear.

NM_001040108.2(MLH3):c.1639A>C (p.Ile547Leu)

Gene: MLH3 (mutL homolog 3; minus strand). Cytogenetic location: 14q24.3.
Variant type: single nucleotide variant.
Coding change: c.1639A>C on transcript NM_001040108.2 (MANE Select); coding-DNA position 1639, A replaced by C.
Protein change: p.Ile547Leu; replaces isoleucine 547 with leucine.
Molecular consequence: missense variant.
Genome position (GRCh38, 1-based): chr14:75,048,017, T>G on the plus strand (A>C on the coding strand, the complement: MLH3 is on the minus strand). VCF-style: chr14-75048017-T-G. GRCh37 (hg19) VCF-style: chr14-75514720-T-G.
Other names: c.1639A>C, p.Ile547Leu (NM_014381.3); short protein forms I547L.
Identifiers: ClinVar variation 2448671 (VCV002448671.2), dbSNP rs566594374, ClinGen allele CA7275839.